The following is an entry in ClinVar:

NM_000836.4(GRIN2D):c.611T>C (p.Ile204Thr)

Gene: GRIN2D (glutamate ionotropic receptor NMDA type subunit 2D; plus strand). Cytogenetic location: 19q13.33.
Variant type: single nucleotide variant.
Coding change: c.611T>C on transcript NM_000836.4 (MANE Select); coding-DNA position 611, T replaced by C.
Protein change: p.Ile204Thr; replaces isoleucine 204 with threonine.
Molecular consequence: missense variant.
Genome position (GRCh38, 1-based): chr19:48,404,879, T>C. VCF-style: chr19-48404879-T-C. GRCh37 (hg19) VCF-style: chr19-48908136-T-C.
Other names: short protein forms I204T.
Identifiers: ClinVar variation 3701872 (VCV003701872.2).

ClinVar aggregate classification (germline): Uncertain significance (1 of 4 stars; one submission).

gnomAD v4.1: 4 of 1,614,164 alleles (0.00025%); highest among the groups gnomAD compares: African/African-American, 0.0013%; no homozygotes.

Submission:

Labcorp Genetics (formerly Invitae), Labcorp
Classification: Uncertain significance. Last evaluated: 2024-09-23. Review status: criteria provided, single submitter. Criteria: Invitae Variant Classification Sherloc (09022015). Collection method: clinical testing. Allele origin: germline.
Comment: This sequence change replaces isoleucine, which is neutral and non-polar, with threonine, which is neutral and polar, at codon 204 of the GRIN2D protein (p.Ile204Thr). This variant is not present in population databases (gnomAD no frequency). This variant has not been reported in the literature in individuals affected with GRIN2D-related conditions. Invitae Evidence Modeling of protein sequence and biophysical properties (such as structural, functional, and spatial information, amino acid conservation, physicochemical variation, residue mobility, and thermodynamic stability) has been performed for this missense variant. However, the output from this modeling did not meet the statistical confidence thresholds required to predict the impact of this variant on GRIN2D protein function. In summary, the available evidence is currently insufficient to determine the role of this variant in disease. Therefore, it has been classified as a Variant of Uncertain Significance.